The following is an entry in ClinVar:

ClinVar aggregate classification (germline): Uncertain significance (1 of 4 stars; one submission).

Conditions:
Emery-Dreifuss muscular dystrophy 5, autosomal dominant (EDMD5). Also called: EMERY-DREIFUSS MUSCULAR DYSTROPHY 5. Identifiers: Orphanet 261, MedGen C2751805, MONDO:0013072, OMIM 612999.

gnomAD v4.1: 3 of 1,614,082 alleles (0.00019%); highest among the groups gnomAD compares: Non-Finnish European, 0.00025%; no homozygotes.

Submission:

Labcorp Genetics (formerly Invitae), Labcorp
Classification: Uncertain significance for Emery-Dreifuss muscular dystrophy 5, autosomal dominant. Last evaluated: 2021-01-01. Review status: criteria provided, single submitter. Criteria: Invitae Variant Classification Sherloc (09022015). Collection method: clinical testing. Allele origin: germline.
Comment: This sequence change replaces lysine with arginine at codon 3497 of the SYNE2 protein (p.Lys3497Arg). The lysine residue is moderately conserved and there is a small physicochemical difference between lysine and arginine. This variant is not present in population databases (ExAC no frequency). This variant has not been reported in the literature in individuals with SYNE2-related conditions. Algorithms developed to predict the effect of missense changes on protein structure and function output the following: SIFT: "Deleterious"; PolyPhen-2: "Benign"; Align-GVGD: "Class C0". The arginine amino acid residue is found in multiple mammalian species, suggesting that this missense change does not adversely affect protein function. These predictions have not been confirmed by published functional studies and their clinical significance is uncertain. Algorithms developed to predict the effect of sequence changes on RNA splicing suggest that this variant may create or strengthen a splice site, but this prediction has not been confirmed by published transcriptional studies. In summary, the available evidence is currently insufficient to determine the role of this variant in disease. Therefore, it has been classified as a Variant of Uncertain Significance.

NM_182914.3(SYNE2):c.10490A>G (p.Lys3497Arg)

Gene: SYNE2 (spectrin repeat containing nuclear envelope protein 2; plus strand). Cytogenetic location: 14q23.2.
Variant type: single nucleotide variant.
Coding change: c.10490A>G on transcript NM_182914.3 (MANE Select); coding-DNA position 10490, A replaced by G.
Protein change: p.Lys3497Arg; replaces lysine 3497 with arginine.
Molecular consequence: missense variant.
Genome position (GRCh38, 1-based): chr14:64,070,703, A>G. VCF-style: chr14-64070703-A-G. GRCh37 (hg19) VCF-style: chr14-64537421-A-G.
Other names: c.10490A>G, p.Lys3497Arg (NM_015180.6); short protein forms K3497R.
Identifiers: ClinVar variation 1498239 (VCV001498239.8), dbSNP rs2153599582, ClinGen allele CA389936167.